The following is an entry in ClinVar:

NM_014633.5(CTR9):c.854A>G (p.Tyr285Cys)

Gene: CTR9 (CTR9 component of Paf1/RNA polymerase II complex; plus strand). Cytogenetic location: 11p15.4.
Variant type: single nucleotide variant.
Coding change: c.854A>G on transcript NM_014633.5 (MANE Select); coding-DNA position 854, A replaced by G.
Protein change: p.Tyr285Cys; replaces tyrosine 285 with cysteine.
Molecular consequence: missense variant.
Genome position (GRCh38, 1-based): chr11:10,763,435, A>G. VCF-style: chr11-10763435-A-G. GRCh37 (hg19) VCF-style: chr11-10784982-A-G.
Other names: c.854A>G, p.Tyr285Cys (NM_001346279.2); short protein forms Y285C.
Identifiers: ClinVar variation 4530719 (VCV004530719.1).

ClinVar aggregate classification (germline): Uncertain significance (1 of 4 stars; one submission).

Submission:

GeneDx
Classification: Uncertain significance. Last evaluated: 2025-05-22. Review status: criteria provided, single submitter. Criteria: GeneDx Variant Classification Process June 2021. Collection method: clinical testing. Allele origin: germline. Affected: yes.
Comment: Not observed at significant frequency in large population cohorts (gnomAD); In silico analysis supports that this missense variant has a deleterious effect on protein structure/function; Has not been previously published as pathogenic or benign to our knowledge